The following is an entry in ClinVar:

NM_032237.5(POMK):c.324A>C (p.Ser108=)

Gene: POMK (protein O-mannose kinase; plus strand). Cytogenetic location: 8p11.21.
Variant type: single nucleotide variant.
Coding change: c.324A>C on transcript NM_032237.5 (MANE Select); coding-DNA position 324, A replaced by C.
Protein change: p.Ser108=; no amino-acid change (serine 108 retained).
Molecular consequence: synonymous variant.
Genome position (GRCh38, 1-based): chr8:43,122,148, A>C. VCF-style: chr8-43122148-A-C. GRCh37 (hg19) VCF-style: chr8-42977291-A-C.
Other names: c.324A>C, p.Ser108= (NM_001277971.2).
Identifiers: ClinVar variation 1116481 (VCV001116481.15), dbSNP rs764321374, ClinGen allele CA4736267.

ClinVar aggregate classification (germline): Benign/Likely benign. Review status: criteria provided, multiple submitters, no conflicts (2 of 4 stars). 3 submissions from 3 submitters: Benign (1); Likely benign (2). Last evaluated 2025-07-15.

Conditions:
Muscular dystrophy-dystroglycanopathy (congenital with brain and eye anomalies), type a, 12 (MDDGA12). Also called: WALKER-WARBURG SYNDROME OR MUSCLE-EYE-BRAIN DISEASE, POMK-RELATED. Identifiers: Orphanet 899, MedGen C3808964, MONDO:0014101, OMIM 615249.
Limb-girdle muscular dystrophy due to POMK deficiency. Also called: Muscular dystrophy-dystroglycanopathy (limb-girdle), type c, 12; MUSCULAR DYSTROPHY-DYSTROGLYCANOPATHY, LIMB-GIRDLE, POMK-RELATED. Identifiers: Orphanet 445110, MedGen C4015184, MONDO:0014489, OMIM 616094.

Allele frequency attached by ClinVar (database versions not stated): gnomAD 0.00001; gnomAD exomes 0.00002 and 0.00004; ExAC 0.00007.
gnomAD v4.1: 24 of 1,614,060 alleles (0.0015%); highest among the groups gnomAD compares: Non-Finnish European, 0.002%; no homozygotes.

Submissions (3):

Labcorp Genetics (formerly Invitae), Labcorp
Classification: Likely benign for Muscular dystrophy-dystroglycanopathy (congenital with brain and eye anomalies), type a, 12; Limb-girdle muscular dystrophy due to POMK deficiency. Last evaluated: 2025-07-15. Review status: criteria provided, single submitter. Criteria: Invitae Variant Classification Sherloc (09022015). Collection method: clinical testing. Allele origin: germline.

CeGaT Center for Human Genetics Tuebingen
Classification: Likely benign. Last evaluated: 2025-04-01. Review status: criteria provided, single submitter. Criteria: CeGaT Center For Human Genetics Tuebingen Variant Classification Criteria Version 2. Collection method: clinical testing. Allele origin: germline. Affected: yes. Observed: 1 variant allele.
Comment: POMK: BP4, BP7

Laboratory of Genetics, Children's Clinical University Hospital Latvia
Classification: Benign. Last evaluated: 2025-02-16. Review status: criteria provided, single submitter. Criteria: ACMG Guidelines, 2015. Collection method: clinical testing. Allele origin: germline. Affected: yes.